The following is an entry in ClinVar:

ClinVar aggregate classification (germline): Pathogenic/Likely pathogenic. Review status: criteria provided, multiple submitters, no conflicts (2 of 4 stars). 8 submissions from 5 submitters: Pathogenic (1); Likely pathogenic (2). 5 of the submissions do not count toward it. Last evaluated 2024-03-02.

Conditions:
Achondrogenesis, type IB (ACG1B). Also called: Achondrogenesis Type 1B. Identifiers: Orphanet 932, Orphanet 93298, MedGen C0265274, MONDO:0010966, OMIM 600972.
Multiple epiphyseal dysplasia type 4 (EDM4). Also called: MULTIPLE EPIPHYSEAL DYSPLASIA, AUTOSOMAL RECESSIVE; MULTIPLE EPIPHYSEAL DYSPLASIA WITH BILAYERED PATELLAE; MULTIPLE EPIPHYSEAL DYSPLASIA WITH CLUBFOOT; Multiple Epiphyseal Dysplasia, Recessive; SLC26A2-Related Multiple Epiphyseal Dysplasia. Identifiers: Orphanet 93307, MedGen C1847593, MONDO:0009189, OMIM 226900.
Atelosteogenesis type II (AO2). Also called: NEONATAL OSSEOUS DYSPLASIA I; SLC26A2-Related Atelosteogenesis; Neonatal osseous dysplasia 1. Identifiers: Orphanet 56304, MedGen C1850554, MONDO:0009727, OMIM 256050.
Diastrophic dysplasia (DTD). Also called: Diastrophic dwarfism. Identifiers: Orphanet 628, MedGen C0220726, MONDO:0009107, OMIM 222600.

Submissions (8):

Natera, Inc.
Classification: Likely pathogenic for Achondrogenesis type IB. Last evaluated: 2024-03-02. Review status: criteria provided, single submitter. Criteria: Natera Variant Classification Schema (03/2026). Collection method: clinical testing. Allele origin: germline.
Comment: The c.1394delT variant in SLC26A2 is a frameshift variant predicted to shift the reading frame beginning at codon 465 and leads to a stop codon 5 codons downstream. This variant is expected to result in nonsense mediated decay, truncation, or a dysfunctional protein product. This variant is rare in the general population with a frequency below the threshold expected for the associated phenotype(s). Given the available evidence, this variant is classified as Likely Pathogenic.

Labcorp Genetics (formerly Invitae), Labcorp
Classification: Pathogenic for Atelosteogenesis type II; Multiple epiphyseal dysplasia type 4; Achondrogenesis, type IB; Diastrophic dysplasia. Last evaluated: 2023-06-03. Review status: criteria provided, single submitter. Criteria: Invitae Variant Classification Sherloc (09022015). Collection method: clinical testing. Allele origin: germline.
Comment: This sequence change creates a premature translational stop signal (p.Leu465Cysfs*5) in the SLC26A2 gene. While this is not anticipated to result in nonsense mediated decay, it is expected to disrupt the last 275 amino acid(s) of the SLC26A2 protein. For these reasons, this variant has been classified as Pathogenic. This variant disrupts a region of the SLC26A2 protein in which other variant(s) (p.Ala715Val) have been determined to be pathogenic (PMID: 8571951, 11448940, 15294877, 21077204, 21922596). This suggests that this is a clinically significant region of the protein, and that variants that disrupt it are likely to be disease-causing. ClinVar contains an entry for this variant (Variation ID: 56014). This variant is also known as 1421delT. This premature translational stop signal has been observed in individual(s) with diastrophic dysplasia (PMID: 11241838). This variant is not present in population databases (gnomAD no frequency).

Baylor Genetics
Classification: Likely pathogenic for Achondrogenesis, type IB. Last evaluated: 2023-01-08. Review status: criteria provided, single submitter. Criteria: ACMG Guidelines, 2015. Collection method: clinical testing. Allele origin: unknown.

Counsyl
Classification: Likely pathogenic for Diastrophic dysplasia. Last evaluated: 2016-01-27. Review status: no assertion criteria provided. Collection method: clinical testing. Allele origin: unknown. Not counted in ClinVar's aggregate classification.

Counsyl
Classification: Likely pathogenic for Multiple epiphyseal dysplasia type 4. Last evaluated: 2016-01-27. Review status: no assertion criteria provided. Collection method: clinical testing. Allele origin: unknown. Not counted in ClinVar's aggregate classification.

Counsyl
Classification: Likely pathogenic for Atelosteogenesis type II. Last evaluated: 2016-01-27. Review status: no assertion criteria provided. Collection method: clinical testing. Allele origin: unknown. Not counted in ClinVar's aggregate classification.

Counsyl
Classification: Likely pathogenic for Achondrogenesis, type IB. Last evaluated: 2016-01-27. Review status: no assertion criteria provided. Collection method: clinical testing. Allele origin: unknown. Not counted in ClinVar's aggregate classification.

Juha Muilu Group; Institute for Molecular Medicine Finland (FIMM)
Classification: Likely pathogenic for Diastrophic dysplasia. Review status: no assertion criteria provided. Collection method: not provided. Allele origin: unknown. Not counted in ClinVar's aggregate classification.
Comment: FinDis database variant: This variant was not found or characterized by our laboratory, data were collected from public sources: see reference
ClinVar note: Converted during submission from probable-pathogenic to Likely pathogenic.

Literature cited by the submitters: PubMed 8571951 (cited by Labcorp Genetics (formerly Invitae), Labcorp); PubMed 11448940 (cited by Labcorp Genetics (formerly Invitae), Labcorp); PubMed 15294877 (cited by Labcorp Genetics (formerly Invitae), Labcorp); PubMed 21077204 (cited by Labcorp Genetics (formerly Invitae), Labcorp); PubMed 21922596 (cited by Labcorp Genetics (formerly Invitae), Labcorp); PubMed 11241838 (cited by Labcorp Genetics (formerly Invitae), Labcorp and Counsyl).

NM_000112.4(SLC26A2):c.1394del (p.Leu465fs)

Gene: SLC26A2 (solute carrier family 26 member 2; plus strand). Cytogenetic location: 5q32.
Variant type: Deletion.
Coding change: c.1394del on transcript NM_000112.4 (MANE Select); coding-DNA position 1394, one base deleted (T; older notation c.1394delT).
Protein change: p.Leu465fs; shifts the reading frame from leucine 465.
Molecular consequence: frameshift variant.
Genome position (GRCh38, 1-based): chr5:149,980,987, T deleted; the last of 4 consecutive T bases (chr5:149,980,984-149,980,987); deleting any one gives the same sequence. VCF-style (leftmost placement, unchanged base first): chr5-149980983-CT-C. GRCh37 (hg19) VCF-style: chr5-149360546-CT-C.
Other names: c.1394delT (NM_000112.3); short protein forms L465fs.
Identifiers: ClinVar variation 56014 (VCV000056014.9), dbSNP rs386833495, ClinGen allele CA263251.
Genomic context (GRCh38, chr5:149,980,983, plus strand): 5'-TTGGTTAAAGAATCAACAGGCTGCCATACTCAGCTTTCTGGTGTGGTAACAGCCCTGGTT[CT>C]TTTGTTGGTCCTCCTAGTAATAGCTCCTTTGTTCTATTCCCTTCAAAAAAGTGTCCTTGG-3'